The following is an entry in ClinVar:

NM_001048174.2(MUTYH):c.107C>A (p.Ala36Asp)

Gene: MUTYH (mutY DNA glycosylase; minus strand). Cytogenetic location: 1p34.1.
Variant type: single nucleotide variant.
Coding change: c.107C>A on transcript NM_001048174.2 (MANE Select); coding-DNA position 107, C replaced by A.
Protein change: p.Ala36Asp; replaces alanine 36 with aspartic acid.
Molecular consequence: missense variant. On other transcripts: non-coding transcript variant (7), 5 prime UTR variant (7).
Genome position (GRCh38, 1-based): chr1:45,334,399, G>T on the plus strand (C>A on the coding strand, the complement: MUTYH is on the minus strand). VCF-style: chr1-45334399-G-T. GRCh37 (hg19) VCF-style: chr1-45800071-G-T.
Other names: c.107C>A, p.Ala36Asp (NM_001407088.1, NM_001407089.1, NM_001293191.2 and 15 more transcripts); c.-106C>A (NM_001407091.1, NM_001293192.2, NM_001293196.2); c.149C>A, p.Ala50Asp (NM_012222.3, NM_001128425.2, NM_001293190.2 and 2 more transcripts); c.-101C>A (NM_001407082.1, NM_001350651.2); c.125C>A, p.Ala42Asp (NM_001407087.1); c.-165C>A (NM_001350650.2); c.-50C>A (NM_001407075.1); short protein forms A42D, A50D, A36D.
Identifiers: ClinVar variation 4113288 (VCV004113288.1).

ClinVar aggregate classification (germline): Uncertain significance (1 of 4 stars; one submission).

Conditions:
Hereditary cancer-predisposing syndrome. Also called: Tumor predisposition; Neoplastic Syndromes, Hereditary; Hereditary neoplastic syndrome; Hereditary Cancer Syndrome. Identifiers: Orphanet 140162, MedGen C0027672, MeSH D009386, MONDO:0015356.

Submission:

Ambry Genetics
Classification: Uncertain significance for Hereditary cancer-predisposing syndrome. Last evaluated: 2025-08-27. Review status: criteria provided, single submitter. Criteria: Ambry Variant Classification Scheme 2023. Collection method: clinical testing. Allele origin: germline.
Comment: The p.A50D variant (also known as c.149C>A), located in coding exon 2 of the MUTYH gene, results from a C to A substitution at nucleotide position 149. The alanine at codon 50 is replaced by aspartic acid, an amino acid with dissimilar properties. This amino acid position is conserved. In addition, this alteration is predicted to be tolerated by in silico analysis. Based on the available evidence, the clinical significance of this variant remains unclear.